The following is an entry in ClinVar:

ClinVar aggregate classification (germline): Benign/Likely benign. Review status: criteria provided, multiple submitters, no conflicts (2 of 4 stars). 2 submissions from 2 submitters: Benign (1); Likely benign (1). Last evaluated 2018-01-13.

Conditions:
Ceroid lipofuscinosis, neuronal, 4 (Kufs type) (CLN4). Also called: Neuronal ceroid lipofuscinosis 4B; Ceroid lipofuscinosis, neuronal, 4, Parry type. Identifiers: Orphanet 228343, Orphanet 79262, MedGen C1834207, MONDO:0008083, OMIM 162350.

Allele frequency attached by ClinVar (database versions not stated): TOPMed 0.00103; gnomAD 0.00106 and 0.00122; 1000 Genomes Project 30x 0.00172; 1000 Genomes Project 0.00200; gnomAD exomes 0.01266.
gnomAD v4.1: 184 of 152,504 alleles (0.12%); highest among the groups gnomAD compares: South Asian, 0.41%; no homozygotes.

Submissions (2):

Illumina Laboratory Services, Illumina
Classification: Benign for Ceroid lipofuscinosis, neuronal, 4 (Kufs type). Last evaluated: 2018-01-13. Review status: criteria provided, single submitter. Criteria: ICSL Variant Classification Criteria 13 December 2019. Collection method: clinical testing. Allele origin: germline.
Comment: This variant was observed in the ICSL laboratory as part of a predisposition screen in an ostensibly healthy population. It had not been previously curated by ICSL or reported in the Human Gene Mutation Database (HGMD: prior to June 1st, 2018), and was therefore a candidate for classification through an automated scoring system. Utilizing variant allele frequency, disease prevalence and penetrance estimates, and inheritance mode, an automated score was calculated to assess if this variant is too frequent to cause the disease. Based on the score and internal cut-off values, a variant classified as benign is not then subjected to further curation. The score for this variant resulted in a classification of benign for this disease.

Breakthrough Genomics
Classification: Likely benign. Review status: criteria provided, single submitter. Criteria: ACMG Guidelines, 2015. Collection method: not provided. Allele origin: germline. Inheritance: Autosomal dominant inheritance. Affected: yes.

NM_025219.3(DNAJC5):c.*2218A>G

Gene: DNAJC5 (DnaJ heat shock protein family (Hsp40) member C5; plus strand). Cytogenetic location: 20q13.33.
Variant type: single nucleotide variant.
Coding change: c.*2218A>G on transcript NM_025219.3 (MANE Select); 2218 bases downstream of the stop codon, A replaced by G.
Molecular consequence: 3 prime UTR variant.
Genome position (GRCh38, 1-based): chr20:63,933,786, A>G. VCF-style: chr20-63933786-A-G. GRCh37 (hg19) VCF-style: chr20-62565139-A-G.
Identifiers: ClinVar variation 339405 (VCV000339405.7), dbSNP rs142121195, ClinGen allele CA10650244.